The following is an entry in ClinVar:

NM_001356.5(DDX3X):c.971C>T (p.Pro324Leu)

Gene: DDX3X (DEAD-box helicase 3 X-linked; plus strand). Cytogenetic location: Xp11.4.
Variant type: single nucleotide variant.
Coding change: c.971C>T on transcript NM_001356.5 (MANE Select); coding-DNA position 971, C replaced by T.
Protein change: p.Pro324Leu; replaces proline 324 with leucine.
Molecular consequence: missense variant. On other transcripts: non-coding transcript variant (1).
Genome position (GRCh38, 1-based): chrX:41,344,345, C>T. VCF-style: chrX-41344345-C-T. GRCh37 (hg19) VCF-style: chrX-41203598-C-T.
Other names: c.971C>T, p.Pro324Leu (NM_001193416.3); c.923C>T, p.Pro308Leu (NM_001193417.3); c.413C>T, p.Pro138Leu (NM_001363819.1); short protein forms P138L, P308L, P324L.
Identifiers: ClinVar variation 3377421 (VCV003377421.1).

ClinVar aggregate classification (germline): Likely pathogenic (1 of 4 stars; one submission).

Conditions:
Intellectual disability, X-linked 102 (MRXSSB). Also called: Intellectual developmental disorder, X-linked syndromic, Snijders Blok type. Identifiers: Orphanet 457260, MedGen C5393299, MONDO:0010497, OMIM 300958.

Submission:

Victorian Clinical Genetics Services, Murdoch Childrens Research Institute
Classification: Likely pathogenic for Intellectual disability, X-linked 102. Last evaluated: 2020-06-11. Review status: criteria provided, single submitter. Criteria: ACMG Guidelines, 2015. Collection method: clinical testing. Allele origin: germline. Affected: yes.
Comment: Based on the classification scheme VCGS_Germline_v1.1.1, this variant is classified as 4-Like Pathogenic. Following criteria are met: 0102 - Loss-of-function is a known mechanism of disease for this gene. (N) 0108 - This gene is known to be associated with X-linked disease. (N) 0200 - Variant is predicted to result in a missense amino acid change from proline to leucine (exon 10). (N) 0251 - Variant is heterozygous. (N) 0301 - Variant is absent from gnomAD. (P) 0502 - Missense variant with conflicting in silico predictions and very high conservation. (N) 0601 - Variant affects a RNA binding site within the helicase ATP binding domain (NCBI conserved domain; DOI: 10.1101/317974). (P) 0704 - Comparable variant has low previous evidence for pathogenicity (PMID: 30349862). (P) 0807 - Variant has not previously been reported in a clinical context. (N) 0905 - No segregation evidence has been identified for this variant. (N) 1007 - No published functional evidence has been identified for this variant in the literature. (P) Legend: (P) - Pathogenic, (N) - Neutral, (B) - Benign

Literature cited by the submitters: PubMed 30349862.